The following is an entry in ClinVar:

NM_003126.4(SPTA1):c.2588-3T>C

Gene: SPTA1 (spectrin alpha, erythrocytic 1; minus strand). Cytogenetic location: 1q23.1.
Variant type: single nucleotide variant.
Coding change: c.2588-3T>C on transcript NM_003126.4 (MANE Select); 3 bases into the intron before coding-DNA position 2588, T replaced by C.
Molecular consequence: intron variant.
Genome position (GRCh38, 1-based): chr1:158,657,697, A>G on the plus strand (T>C on the coding strand, the complement: SPTA1 is on the minus strand). VCF-style: chr1-158657697-A-G. GRCh37 (hg19) VCF-style: chr1-158627487-A-G.
Identifiers: ClinVar variation 874707 (VCV000874707.9), dbSNP rs375142282, ClinGen allele CA1183330.

ClinVar aggregate classification (germline): Uncertain significance. Review status: criteria provided, multiple submitters, no conflicts (2 of 4 stars). 6 submissions from 4 submitters: Uncertain significance (5). 1 of the submissions does not count toward it. Last evaluated 2025-01-27.

Conditions:
SPTA1-related disorder. Also called: SPTA1-related condition; SPTA1-related disorders.
Hereditary spherocytosis type 3. Also called: SPTA1-Related Spherocytosis; Spherocytosis type 3. Identifiers: Orphanet 822, MedGen C2678338, MONDO:0010053, OMIM 270970.
Elliptocytosis 2 (EL2). Also called: ELLIPTOCYTOSIS, RHESUS-UNLINKED TYPE. Identifiers: Orphanet 288, MedGen C1851741, MONDO:0007533, OMIM 130600.
Pyropoikilocytosis, hereditary. Also called: Pyropoikilocytosis. Identifiers: MedGen C0520739, MONDO:0009948, OMIM 266140, HP:0004839. Disease mechanism: loss of function.

Allele frequency attached by ClinVar (database versions not stated): ExAC 0.00002; gnomAD 0.00004; gnomAD exomes 0.00004; TOPMed 0.00005; ESP Exome Variant Server 0.00008.
gnomAD v4.1: 96 of 1,613,804 alleles (0.0059%); highest among the groups gnomAD compares: Non-Finnish European, 0.0075%; no homozygotes.

Submissions (6):

ARUP Laboratories, Molecular Genetics and Genomics, ARUP Laboratories
Classification: Uncertain significance. Last evaluated: 2025-01-27. Review status: criteria provided, single submitter. Criteria: ARUP Molecular Germline Variant Investigation Process 2024. Collection method: clinical testing. Allele origin: germline.
Comment: The SPTA1 c.2588-3T>C variant (rs375142282), to our knowledge, is not reported in the medical literature but is reported in ClinVar (Variation ID: 874707). This variant is found primarily in the non-Finnish European population with an allele frequency of 0.009% (11/128,288 alleles) in the Genome Aggregation Database (v2.1.1). This is an intronic variant and computational analyses (Alamut Visual Plus v1.11) predict that this variant does not alter splicing. However, since this variant is located within the minimal splice region, the clinical significance of this variant is uncertain at this time.

Revvity Omics, Revvity
Classification: Uncertain significance. Last evaluated: 2022-06-07. Review status: criteria provided, single submitter. Criteria: ACMG Guidelines, 2015. Collection method: clinical testing. Allele origin: germline.

Illumina Laboratory Services, Illumina
Classification: Uncertain significance for Pyropoikilocytosis, hereditary. Last evaluated: 2018-01-13. Review status: criteria provided, single submitter. Criteria: ICSL Variant Classification Criteria 13 December 2019. Collection method: clinical testing. Allele origin: germline.

Illumina Laboratory Services, Illumina
Classification: Uncertain significance for Hereditary spherocytosis type 3. Last evaluated: 2018-01-13. Review status: criteria provided, single submitter. Criteria: ICSL Variant Classification Criteria 13 December 2019. Collection method: clinical testing. Allele origin: germline.

Illumina Laboratory Services, Illumina
Classification: Uncertain significance for Elliptocytosis 2. Last evaluated: 2018-01-13. Review status: criteria provided, single submitter. Criteria: ICSL Variant Classification Criteria 13 December 2019. Collection method: clinical testing. Allele origin: germline.

PreventionGenetics, part of Exact Sciences
Classification: Likely benign for SPTA1-related condition. Last evaluated: 2022-03-16. Review status: no assertion criteria provided. Collection method: clinical testing. Allele origin: germline. Not counted in ClinVar's aggregate classification.
Comment: This variant is classified as likely benign based on ACMG/AMP sequence variant interpretation guidelines (Richards et al. 2015 PMID: 25741868, with internal and published modifications).